The following is an entry in ClinVar:

ClinVar aggregate classification (germline): Uncertain significance (1 of 4 stars; one submission).

Conditions:
Inborn genetic diseases. Identifiers: MedGen C0950123, MeSH D030342.

Submission:

Ambry Genetics
Classification: Uncertain significance for Inborn genetic diseases. Last evaluated: 2025-11-02. Review status: criteria provided, single submitter. Criteria: Ambry Variant Classification Scheme 2023. Collection method: clinical testing. Allele origin: germline.
Comment: The c.7063T>A (p.S2355T) alteration is located in exon 9 (coding exon 7) of the ANKRD11 gene. This alteration results from a T to A substitution at nucleotide position 7063, causing the serine (S) at amino acid position 2355 to be replaced by a threonine (T). Based on data from gnomAD, the A allele has an overall frequency of 0.001% (1/90566) total alleles studied. The highest observed frequency was 0.007% (1/14614) of South Asian alleles. Based on insufficient or conflicting evidence, the clinical significance of this alteration remains unclear.

NM_013275.6(ANKRD11):c.7063T>A (p.Ser2355Thr)

Gene: ANKRD11 (ankyrin repeat domain 11; minus strand). Cytogenetic location: 16q24.3.
Variant type: single nucleotide variant.
Coding change: c.7063T>A on transcript NM_013275.6 (MANE Select); coding-DNA position 7063, T replaced by A.
Protein change: p.Ser2355Thr; replaces serine 2355 with threonine.
Molecular consequence: missense variant.
Genome position (GRCh38, 1-based): chr16:89,279,479, A>T on the plus strand (T>A on the coding strand, the complement: ANKRD11 is on the minus strand). VCF-style: chr16-89279479-A-T. GRCh37 (hg19) VCF-style: chr16-89345887-A-T.
Other names: c.7063T>A, p.Ser2355Thr (NM_001256182.2, NM_001256183.2); short protein forms S2355T.
Identifiers: ClinVar variation 4577861 (VCV004577861.1).